The following is an entry in ClinVar:

NC_000016.9:g.(?_139774)_(159866_?)del

Gene: NPRL3 (NPR3 like, GATOR1 complex subunit; minus strand). Cytogenetic location: 16p13.3.
Variant type: Deletion.
Identifiers: ClinVar variation 1514465 (VCV001514465.4).

ClinVar aggregate classification (germline): Likely pathogenic (1 of 4 stars; one submission).

Conditions:
Epilepsy, familial focal, with variable foci 3 (FFEVF3). Identifiers: MedGen C4310708, MONDO:0014925, OMIM 617118.

Submission:

Labcorp Genetics (formerly Invitae), Labcorp
Classification: Likely pathogenic for Epilepsy, familial focal, with variable foci 3. Last evaluated: 2021-04-30. Review status: criteria provided, single submitter. Criteria: Invitae Variant Classification Sherloc (09022015). Collection method: clinical testing. Allele origin: germline.
Comment: In summary, the currently available evidence indicates that the variant is pathogenic, but additional data are needed to prove that conclusively. Therefore, this variant has been classified as Likely Pathogenic. This variant has been observed in individual(s) with clinical features of NPRL3-related conditions (Invitae). This variant results in the deletion of exon(s) 8-11 and part of exon 12 (c.629+657_1288del) of the NPRL3 gene. It is expected to disrupt RNA splicing. Variants that disrupt the donor or acceptor splice site typically lead to a loss of protein function (PMID: 16199547), and loss-of-function variants in NPRL3 are known to be pathogenic (PMID: 26285051, 26505888).

Literature cited by the submitters: PubMed 16199547; PubMed 26285051; PubMed 26505888.